The following is an entry in ClinVar:

NM_006859.4(LIAS):c.709A>G (p.Asn237Asp)

Gene: LIAS (lipoic acid synthetase; plus strand). Cytogenetic location: 4p14.
Variant type: single nucleotide variant.
Coding change: c.709A>G on transcript NM_006859.4 (MANE Select); coding-DNA position 709, A replaced by G.
Protein change: p.Asn237Asp; replaces asparagine 237 with aspartic acid.
Molecular consequence: missense variant. On other transcripts: intron variant (1).
Genome position (GRCh38, 1-based): chr4:39,467,618, A>G. VCF-style: chr4-39467618-A-G. GRCh37 (hg19) VCF-style: chr4-39469238-A-G.
Other names: c.400A>G, p.Asn134Asp (NM_001363700.2); c.709A>G, p.Asn237Asp (NM_194451.3); c.608+2276A>G (NM_001278590.2); short protein forms N237D, N134D.
Identifiers: ClinVar variation 1397438 (VCV001397438.6), dbSNP rs778212967, ClinGen allele CA2894739.

ClinVar aggregate classification (germline): Uncertain significance (1 of 4 stars; one submission).

Conditions:
Lipoic acid synthetase deficiency. Also called: HYPERGLYCINEMIA, LACTIC ACIDOSIS, AND SEIZURES. Identifiers: Orphanet 401859, MedGen C3280887, MONDO:0013762, OMIM 614462.

Allele frequency attached by ClinVar (database versions not stated): gnomAD exomes below 0.00001; ExAC 0.00001.
gnomAD v4.1: 5 of 1,594,724 alleles (0.00031%); highest among the groups gnomAD compares: Non-Finnish European, 0.00043%; no homozygotes.

Submission:

Labcorp Genetics (formerly Invitae), Labcorp
Classification: Uncertain significance for Lipoic acid synthetase deficiency. Last evaluated: 2021-12-31. Review status: criteria provided, single submitter. Criteria: Invitae Variant Classification Sherloc (09022015). Collection method: clinical testing. Allele origin: germline.
Comment: This sequence change replaces asparagine, which is neutral and polar, with aspartic acid, which is acidic and polar, at codon 237 of the LIAS protein (p.Asn237Asp). The frequency data for this variant in the population databases is considered unreliable, as metrics indicate poor data quality at this position in the gnomAD database. In summary, the available evidence is currently insufficient to determine the role of this variant in disease. Therefore, it has been classified as a Variant of Uncertain Significance. Algorithms developed to predict the effect of missense changes on protein structure and function are either unavailable or do not agree on the potential impact of this missense change (SIFT: "Deleterious"; PolyPhen-2: "Probably Damaging"; Align-GVGD: "Class C15"). This variant has not been reported in the literature in individuals affected with LIAS-related conditions.